The following is an entry in ClinVar:

NM_001010867.4(IBA57):c.354C>A (p.His118Gln)

Gene: IBA57 (iron-sulfur cluster assembly factor IBA57; plus strand). Cytogenetic location: 1q42.13.
Variant type: single nucleotide variant.
Coding change: c.354C>A on transcript NM_001010867.4 (MANE Select); coding-DNA position 354, C replaced by A.
Protein change: p.His118Gln; replaces histidine 118 with glutamine.
Molecular consequence: missense variant. On other transcripts: 5 prime UTR variant (1).
Genome position (GRCh38, 1-based): chr1:228,174,704, C>A. VCF-style: chr1-228174704-C-A. GRCh37 (hg19) VCF-style: chr1-228362405-C-A.
Other names: c.-226C>A (NM_001310327.2); short protein forms H118Q.
Identifiers: ClinVar variation 579645 (VCV000579645.8), dbSNP rs1315886237, ClinGen allele CA345111485.

ClinVar aggregate classification (germline): Uncertain significance (1 of 4 stars; one submission).

Conditions:
Multiple mitochondrial dysfunctions syndrome 3 (MMDS3). Identifiers: Orphanet 363424, MedGen C3809165, MONDO:0014132, OMIM 615330.
Hereditary spastic paraplegia 74. Also called: Spastic paraplegia 74, autosomal recessive. Identifiers: Orphanet 468661, MedGen C5568837, MONDO:0014644, OMIM 616451.

Submission:

Labcorp Genetics (formerly Invitae), Labcorp
Classification: Uncertain significance for Multiple mitochondrial dysfunctions syndrome 3; Hereditary spastic paraplegia 74. Last evaluated: 2022-08-09. Review status: criteria provided, single submitter. Criteria: Invitae Variant Classification Sherloc (09022015). Collection method: clinical testing. Allele origin: germline.
Comment: In summary, the available evidence is currently insufficient to determine the role of this variant in disease. Therefore, it has been classified as a Variant of Uncertain Significance. Algorithms developed to predict the effect of missense changes on protein structure and function (SIFT, PolyPhen-2, Align-GVGD) all suggest that this variant is likely to be tolerated. ClinVar contains an entry for this variant (Variation ID: 579645). This variant has not been reported in the literature in individuals affected with IBA57-related conditions. This variant is not present in population databases (gnomAD no frequency). This sequence change replaces histidine, which is basic and polar, with glutamine, which is neutral and polar, at codon 118 of the IBA57 protein (p.His118Gln).